The following is an entry in ClinVar:

NM_171998.4(RAB39B):c.*1347C>T

Gene: RAB39B (RAB39B, member RAS oncogene family; minus strand). Cytogenetic location: Xq28.
Variant type: single nucleotide variant.
Coding change: c.*1347C>T on transcript NM_171998.4 (MANE Select); 1347 bases downstream of the stop codon, C replaced by T.
Molecular consequence: 3 prime UTR variant.
Genome position (GRCh38, 1-based): chrX:155,259,456, G>A on the plus strand (C>T on the coding strand, the complement: RAB39B is on the minus strand). VCF-style: chrX-155259456-G-A. GRCh37 (hg19) VCF-style: chrX-154488741-G-A.
Identifiers: ClinVar variation 368137 (VCV000368137.6), dbSNP rs17052027, ClinGen allele CA10651785.

ClinVar aggregate classification (germline): Benign. Review status: criteria provided, multiple submitters, no conflicts (2 of 4 stars). 2 submissions from 2 submitters: Benign (2). Last evaluated 2018-01-12.

Conditions:
Intellectual developmental disorder, X-linked 72. Also called: Intellectual disability, X-linked 72. Identifiers: Orphanet 777, MedGen C1846038, MONDO:0010289, OMIM 300271.

Allele frequency attached by ClinVar (database versions not stated): 1000 Genomes Project 0.04026; TOPMed 0.04126; gnomAD 0.04132 and 0.04193; 1000 Genomes Project 30x 0.04142.

Submissions (2):

Illumina Laboratory Services, Illumina
Classification: Benign for Intellectual developmental disorder, X-linked 72. Last evaluated: 2018-01-12. Review status: criteria provided, single submitter. Criteria: ICSL Variant Classification Criteria 13 December 2019. Collection method: clinical testing. Allele origin: germline.
Comment: This variant was observed in the ICSL laboratory as part of a predisposition screen in an ostensibly healthy population. It had not been previously curated by ICSL or reported in the Human Gene Mutation Database (HGMD: prior to June 1st, 2018), and was therefore a candidate for classification through an automated scoring system. Utilizing variant allele frequency, disease prevalence and penetrance estimates, and inheritance mode, an automated score was calculated to assess if this variant is too frequent to cause the disease. Based on the score and internal cut-off values, a variant classified as benign is not then subjected to further curation. The score for this variant resulted in a classification of benign for this disease.

Breakthrough Genomics
Classification: Benign. Review status: criteria provided, single submitter. Criteria: ACMG Guidelines, 2015. Collection method: not provided. Allele origin: germline. Inheritance: X-linked inheritance. Affected: yes.